The following is an entry in ClinVar:

ClinVar aggregate classification (germline): Likely benign (1 of 4 stars; one submission).

Submission:

GeneDx
Classification: Likely benign. Last evaluated: 2019-12-31. Review status: criteria provided, single submitter. Criteria: GeneDx Variant Classification Process June 2021. Collection method: clinical testing. Allele origin: germline. Affected: yes.
Comment: See Variant Classification Assertion Criteria.

NM_001377.3(DYNC2H1):c.12456+180_12456+181dup

Gene: DYNC2H1 (dynein cytoplasmic 2 heavy chain 1; plus strand). Cytogenetic location: 11q22.3.
Variant type: Duplication.
Coding change: c.12456+180_12456+181dup on transcript NM_001377.3 (MANE Select); bases 180 to 181 of the intron after coding-DNA position 12456, 2 bases duplicated (TT; older notation c.12456+180_12456+181dupTT).
Molecular consequence: intron variant.
Genome position (GRCh38, 1-based): chr11:103,436,212-103,436,213, TT duplicated; duplicating any 2 consecutive bases within chr11:103,436,198-103,436,213 gives the same sequence; the c. name uses the placement nearest the transcript's 3' end. VCF-style (leftmost placement, unchanged base first): chr11-103436197-A-ATT. GRCh37 (hg19) VCF-style: chr11-103306925-A-ATT.
Other names: c.12477+180_12477+181dup (NM_001080463.2).
Identifiers: ClinVar variation 2443417 (VCV002443417.1), dbSNP rs140294172, ClinGen allele CA601266702.